The following is an entry in ClinVar:

NM_205850.3(SLC24A5):c.544A>G (p.Ser182Gly)

Genes: SLC24A5 (solute carrier family 24 member 5; plus strand), MYEF2 (myelin expression factor 2; minus strand). Cytogenetic location: 15q21.1.
Variant type: single nucleotide variant.
Coding change: c.544A>G on transcript NM_205850.3 (MANE Select); coding-DNA position 544, A replaced by G.
Protein change: p.Ser182Gly; replaces serine 182 with glycine.
Molecular consequence: missense variant. On other transcripts: 3 prime UTR variant (2).
Genome position (GRCh38, 1-based): chr15:48,134,938, A>G. VCF-style: chr15-48134938-A-G. GRCh37 (hg19) VCF-style: chr15-48427135-A-G.
Other names: c.*7970T>C (NM_001301210.2, NM_016132.5); short protein forms S182G.
Identifiers: ClinVar variation 2175020 (VCV002175020.4), dbSNP rs201321591, ClinGen allele CA7545906.

ClinVar aggregate classification (germline): Uncertain significance (1 of 4 stars; one submission).

Allele frequency attached by ClinVar (database versions not stated): ExAC 0.00001; gnomAD 0.00001; gnomAD exomes 0.00001; TOPMed 0.00001.
gnomAD v4.1: 20 of 1,612,382 alleles (0.0012%); highest among the groups gnomAD compares: Middle Eastern, 0.016%; no homozygotes.

Submission:

Labcorp Genetics (formerly Invitae), Labcorp
Classification: Uncertain significance. Last evaluated: 2025-03-17. Review status: criteria provided, single submitter. Criteria: Invitae Variant Classification Sherloc (09022015). Collection method: clinical testing. Allele origin: germline.
Comment: This sequence change replaces serine, which is neutral and polar, with glycine, which is neutral and non-polar, at codon 182 of the SLC24A5 protein (p.Ser182Gly). This variant is present in population databases (rs201321591, gnomAD 0.002%). This variant has not been reported in the literature in individuals affected with SLC24A5-related conditions. ClinVar contains an entry for this variant (Variation ID: 2175020). Invitae Evidence Modeling of protein sequence and biophysical properties (such as structural, functional, and spatial information, amino acid conservation, physicochemical variation, residue mobility, and thermodynamic stability) indicates that this missense variant is not expected to disrupt SLC24A5 protein function with a negative predictive value of 80%. In summary, the available evidence is currently insufficient to determine the role of this variant in disease. Therefore, it has been classified as a Variant of Uncertain Significance.